The following is an entry in ClinVar:

ClinVar aggregate classification (germline): Conflicting classifications of pathogenicity. Review status: criteria provided, conflicting classifications (1 of 4 stars). 2 submissions from 2 submitters: Uncertain significance (1); Benign (1). Last evaluated 2024-08-29.

Conditions:
Adams-Oliver syndrome 5 (AOS5). Identifiers: Orphanet 974, MedGen C4014970, MONDO:0014459, OMIM 616028.
Familial thoracic aortic aneurysm and aortic dissection (TAAD). Also called: Thoracic aortic aneurysms and dissections. Identifiers: Orphanet 91387, MedGen C4707243, MONDO:0019625.

Allele frequency attached by ClinVar (database versions not stated): gnomAD 0.00001; gnomAD exomes 0.00001; TOPMed 0.00001; ExAC 0.00005.
gnomAD v4.1: 17 of 1,557,452 alleles (0.0011%); highest among the groups gnomAD compares: South Asian, 0.0059%; 1 homozygote.

Submissions (2):

Labcorp Genetics (formerly Invitae), Labcorp
Classification: Benign for Adams-Oliver syndrome 5. Last evaluated: 2024-08-29. Review status: criteria provided, single submitter. Criteria: Invitae Variant Classification Sherloc (09022015). Collection method: clinical testing. Allele origin: germline.

Ambry Genetics
Classification: Uncertain significance for Familial thoracic aortic aneurysm and aortic dissection. Last evaluated: 2024-05-22. Review status: criteria provided, single submitter. Criteria: Ambry Variant Classification Scheme 2023. Collection method: clinical testing. Allele origin: germline.
Comment: The p.A208T variant (also known as c.622G>A), located in coding exon 4 of the NOTCH1 gene, results from a G to A substitution at nucleotide position 622. The alanine at codon 208 is replaced by threonine, an amino acid with similar properties. This amino acid position is conserved. In addition, this alteration is predicted to be tolerated by in silico analysis. Based on the available evidence, the clinical significance of this variant remains unclear.

NM_017617.5(NOTCH1):c.622G>A (p.Ala208Thr)

Gene: NOTCH1 (notch receptor 1; minus strand). Cytogenetic location: 9q34.3.
Variant type: single nucleotide variant.
Coding change: c.622G>A on transcript NM_017617.5 (MANE Select); coding-DNA position 622, G replaced by A.
Protein change: p.Ala208Thr; replaces alanine 208 with threonine.
Molecular consequence: missense variant.
Genome position (GRCh38, 1-based): chr9:136,522,970, C>T on the plus strand (G>A on the coding strand, the complement: NOTCH1 is on the minus strand). VCF-style: chr9-136522970-C-T. GRCh37 (hg19) VCF-style: chr9-139417422-C-T.
Other names: c.622G>A, p.Ala208Thr (LRG_1122t1); short protein forms A208T.
Identifiers: ClinVar variation 544158 (VCV000544158.7), dbSNP rs745817995, ClinGen allele CA5342112.